The following is an entry in ClinVar:

NM_004281.4(BAG3):c.1184G>C (p.Arg395Thr)

Gene: BAG3 (BAG cochaperone 3; plus strand). Cytogenetic location: 10q26.11.
Variant type: single nucleotide variant.
Coding change: c.1184G>C on transcript NM_004281.4 (MANE Select); coding-DNA position 1184, G replaced by C.
Protein change: p.Arg395Thr; replaces arginine 395 with threonine.
Molecular consequence: missense variant.
Genome position (GRCh38, 1-based): chr10:119,676,738, G>C. VCF-style: chr10-119676738-G-C. GRCh37 (hg19) VCF-style: chr10-121436250-G-C.
Other names: short protein forms R395T.
Identifiers: ClinVar variation 4867329 (VCV004867329.1).

ClinVar aggregate classification (germline): Uncertain significance (1 of 4 stars; one submission).

Conditions:
Cardiovascular phenotype. Identifiers: MedGen CN230736.

Submission:

Ambry Genetics
Classification: Uncertain significance for Cardiovascular phenotype. Last evaluated: 2026-05-03. Review status: criteria provided, single submitter. Criteria: Ambry Variant Classification Scheme 2023. Collection method: clinical testing. Allele origin: germline.
Comment: The p.R395T variant (also known as c.1184G>C), located in coding exon 4 of the BAG3 gene, results from a G to C substitution at nucleotide position 1184. The arginine at codon 395 is replaced by threonine, an amino acid with similar properties. This amino acid position is conserved. In addition, this alteration is predicted to be tolerated by in silico analysis. Based on the available evidence, the clinical significance of this variant remains unclear.